The following is an entry in ClinVar:

NM_000264.5(PTCH1):c.4299G>C (p.Gln1433His)

Gene: PTCH1 (patched 1; minus strand). Cytogenetic location: 9q22.32.
Variant type: single nucleotide variant.
Coding change: c.4299G>C on transcript NM_000264.5 (MANE Select); coding-DNA position 4299, G replaced by C.
Protein change: p.Gln1433His; replaces glutamine 1433 with histidine.
Molecular consequence: missense variant. On other transcripts: non-coding transcript variant (1).
Genome position (GRCh38, 1-based): chr9:95,446,957, C>G on the plus strand (G>C on the coding strand, the complement: PTCH1 is on the minus strand). VCF-style: chr9-95446957-C-G. GRCh37 (hg19) VCF-style: chr9-98209239-C-G.
Other names: c.4101G>C, p.Gln1367His (NM_001083602.3); c.4296G>C, p.Gln1432His (NM_001083603.3); c.3846G>C, p.Gln1282His (NM_001083604.3, NM_001083605.3, NM_001083606.3 and 1 more transcripts); c.4143G>C, p.Gln1381His (NM_001354918.2); short protein forms Q1381H, Q1282H, Q1367H, Q1432H, Q1433H.
Identifiers: ClinVar variation 2449694 (VCV002449694.2), dbSNP rs2537994293, ClinGen allele CA374109930.

ClinVar aggregate classification (germline): Uncertain significance (1 of 4 stars; one submission).

Conditions:
Hereditary cancer-predisposing syndrome. Also called: Neoplastic Syndromes, Hereditary; Tumor predisposition; Hereditary neoplastic syndrome; Hereditary Cancer Syndrome. Identifiers: Orphanet 140162, MedGen C0027672, MeSH D009386, MONDO:0015356.

Submission:

Ambry Genetics
Classification: Uncertain significance for Hereditary cancer-predisposing syndrome. Last evaluated: 2023-03-03. Review status: criteria provided, single submitter. Criteria: Ambry Variant Classification Scheme 2023. Collection method: clinical testing. Allele origin: germline.
Comment: The p.Q1433H variant (also known as c.4299G>C), located in coding exon 23 of the PTCH1 gene, results from a G to C substitution at nucleotide position 4299. The glutamine at codon 1433 is replaced by histidine, an amino acid with highly similar properties. This amino acid position is conserved. In addition, the in silico prediction for this alteration is inconclusive. Since supporting evidence is limited at this time, the clinical significance of this alteration remains unclear.